The following is an entry in ClinVar:

NM_001220.5(CAMK2B):c.65+1G>A

Gene: CAMK2B (calcium/calmodulin dependent protein kinase II beta; minus strand). Cytogenetic location: 7p13.
Variant type: single nucleotide variant.
Coding change: c.65+1G>A on transcript NM_001220.5 (MANE Select); the canonical splice donor site of the intron after coding-DNA position 65, G replaced by A.
Molecular consequence: splice donor variant.
Genome position (GRCh38, 1-based): chr7:44,325,356, C>T on the plus strand (G>A on the coding strand, the complement: CAMK2B is on the minus strand). VCF-style: chr7-44325356-C-T. GRCh37 (hg19) VCF-style: chr7-44364955-C-T.
Other names: c.65+1G>A (NM_172084.3, NM_172080.3, NM_172083.3 and 5 more transcripts).
Identifiers: ClinVar variation 2506766 (VCV002506766.1), dbSNP rs2483953772, ClinGen allele CA367553237.

ClinVar aggregate classification (germline): Uncertain significance (1 of 4 stars; one submission).

Allele frequency attached by ClinVar (database versions not stated): gnomAD exomes below 0.00001.
gnomAD v4.1: 1 of 1,257,184 alleles (0.00008%); highest among the groups gnomAD compares: Admixed American, 0.0026%; no homozygotes.

Submission:

GeneDx
Classification: Uncertain significance. Last evaluated: 2022-12-23. Review status: criteria provided, single submitter. Criteria: GeneDx Variant Classification Process June 2021. Collection method: clinical testing. Allele origin: germline. Affected: yes.
Comment: Not observed at significant frequency in large population cohorts (gnomAD); Canonical splice site variant in a gene or region of a gene for which loss of function is not a well-established mechanism of disease; Has not been previously published as pathogenic or benign to our knowledge